The following is an entry in ClinVar:

ClinVar aggregate classification (germline): Likely benign. Review status: criteria provided, multiple submitters, no conflicts (2 of 4 stars). 3 submissions from 3 submitters: Likely benign (2). 1 of the submissions does not count toward it. Last evaluated 2025-12-16.

Conditions:
Cardiovascular phenotype. Identifiers: MedGen CN230736.
Hereditary hemorrhagic telangiectasia (HHT). Also called: ORW DISEASE; Osler Weber Rendu syndrome; OSLER-RENDU-WEBER DISEASE; Osler hemorrhagic telangiectasia syndrome. Identifiers: Orphanet 774, MedGen C0039445, MONDO:0019180. Disease mechanism: loss of function.
ENG-related disorder. Also called: ENG-related condition; ENG-related disorders.

Allele frequency attached by ClinVar (database versions not stated): TOPMed 0.00004; ExAC 0.00010.
gnomAD v4.1: 17 of 1,598,476 alleles (0.0011%); highest among the groups gnomAD compares: East Asian, 0.038%; no homozygotes.

Submissions (3):

Labcorp Genetics (formerly Invitae), Labcorp
Classification: Likely benign for Hereditary hemorrhagic telangiectasia. Last evaluated: 2025-12-16. Review status: criteria provided, single submitter. Criteria: Invitae Variant Classification Sherloc (09022015). Collection method: clinical testing. Allele origin: germline.

Ambry Genetics
Classification: Likely benign for Cardiovascular phenotype. Last evaluated: 2020-03-17. Review status: criteria provided, single submitter. Criteria: Ambry Variant Classification Scheme 2023. Collection method: clinical testing. Allele origin: germline.

PreventionGenetics, part of Exact Sciences
Classification: Likely benign for ENG-related condition. Last evaluated: 2021-07-19. Review status: no assertion criteria provided. Collection method: clinical testing. Allele origin: germline. Not counted in ClinVar's aggregate classification.
Comment: This variant is classified as likely benign based on ACMG/AMP sequence variant interpretation guidelines (Richards et al. 2015 PMID: 25741868, with internal and published modifications).

NM_001114753.3(ENG):c.1845G>T (p.Ser615=)

Gene: ENG (endoglin; minus strand). Cytogenetic location: 9q34.11.
Variant type: single nucleotide variant.
Coding change: c.1845G>T on transcript NM_001114753.3 (MANE Select); coding-DNA position 1845, G replaced by T.
Protein change: p.Ser615=; no amino-acid change (serine 615 retained).
Molecular consequence: synonymous variant.
Genome position (GRCh38, 1-based): chr9:127,815,950, C>A on the plus strand (G>T on the coding strand, the complement: ENG is on the minus strand). VCF-style: chr9-127815950-C-A. GRCh37 (hg19) VCF-style: chr9-130578229-C-A.
Other names: c.1845G>T, p.Ser615= (NM_000118.4); c.1299G>T, p.Ser433= (NM_001278138.2).
Identifiers: ClinVar variation 237025 (VCV000237025.17), dbSNP rs759950184, ClinGen allele CA5252622.